The following is an entry in ClinVar:

NM_020366.4(RPGRIP1):c.1219C>T (p.Gln407Ter)

Gene: RPGRIP1 (RPGR interacting protein 1; plus strand). Cytogenetic location: 14q11.2.
Variant type: single nucleotide variant.
Coding change: c.1219C>T on transcript NM_020366.4 (MANE Select); coding-DNA position 1219, C replaced by T.
Protein change: p.Gln407Ter; replaces glutamine 407 with a stop codon.
Molecular consequence: nonsense.
Genome position (GRCh38, 1-based): chr14:21,317,763, C>T. VCF-style: chr14-21317763-C-T. GRCh37 (hg19) VCF-style: chr14-21785922-C-T.
Other names: c.145C>T, p.Gln49Ter (NM_001377523.1, NM_001377948.1, NM_001377949.1 and 1 more transcripts); short protein forms Q49*, Q407*.
Identifiers: ClinVar variation 962258 (VCV000962258.10), dbSNP rs775425686, ClinGen allele CA7088909.
Genomic context (GRCh38, chr14:21,317,763, plus strand): 5'-GACAGCAGTGACAGCTCCAGTCAGCCCCACTGGAGCAACGAGCTCATAGCGGAACAGCTA[C>T]AGCAGCAAGTCTCTCAGCTGCAGGATCAGCTGGATGCTGAGCTGGAGGACAAGAGAAAAG-3'

ClinVar aggregate classification (germline): Pathogenic. Review status: criteria provided, multiple submitters, no conflicts (2 of 4 stars). 2 submissions from 2 submitters: Pathogenic (2). Last evaluated 2026-05-22.

Conditions:
RPGRIP1-related disorder. Also called: RPGRIP1-related condition.
Cone-rod dystrophy 13 (CORD13). Identifiers: Orphanet 1872, MedGen C2750720, MONDO:0011987, OMIM 608194.
Leber congenital amaurosis 6 (LCA6). Identifiers: Orphanet 65, MedGen C1854260, MONDO:0013446, OMIM 613826.

Allele frequency attached by ClinVar (database versions not stated): gnomAD exomes below 0.00001 and 0.00001; gnomAD 0.00001; ExAC 0.00002.

Submissions (2):

PreventionGenetics, part of Exact Sciences
Classification: Pathogenic for RPGRIP1-related condition. Last evaluated: 2026-05-22. Review status: criteria provided, single submitter. Criteria: ACMG Guidelines, 2015. Collection method: clinical testing. Allele origin: germline.
Comment: The RPGRIP1 c.1219C>T variant is predicted to result in premature protein termination (p.Gln407*). This variant was reported in individuals with Leber congenital amaurosis (Supplementary Table 1A, Thompson et al. 2017. PubMed ID: 29178642). This variant is reported in 0.0062% of alleles in individuals of East Asian descent in gnomAD. Nonsense variants in RPGRIP1 are expected to be pathogenic. This variant is interpreted as pathogenic.

Labcorp Genetics (formerly Invitae), Labcorp
Classification: Pathogenic for Leber congenital amaurosis 6; Cone-rod dystrophy 13. Last evaluated: 2025-02-17. Review status: criteria provided, single submitter. Criteria: Invitae Variant Classification Sherloc (09022015). Collection method: clinical testing. Allele origin: germline.
Comment: This sequence change creates a premature translational stop signal (p.Gln407*) in the RPGRIP1 gene. It is expected to result in an absent or disrupted protein product. Loss-of-function variants in RPGRIP1 are known to be pathogenic (PMID: 11528500, 23105016). The frequency data for this variant in the population databases is considered unreliable, as metrics indicate poor data quality at this position in the gnomAD database. This premature translational stop signal has been observed in individual(s) with Leber congenital amaurosis (PMID: 29178642). It has also been observed to segregate with disease in related individuals. ClinVar contains an entry for this variant (Variation ID: 962258). For these reasons, this variant has been classified as Pathogenic.

Literature cited by the submitters: PubMed 11528500 (cited by Labcorp Genetics (formerly Invitae), Labcorp); PubMed 23105016 (cited by Labcorp Genetics (formerly Invitae), Labcorp); PubMed 29178642 (cited by Labcorp Genetics (formerly Invitae), Labcorp).